The following is an entry in ClinVar:

NM_013254.4(TBK1):c.829C>G (p.Leu277Val)

Gene: TBK1 (TANK binding kinase 1; plus strand). Cytogenetic location: 12q14.2.
Variant type: single nucleotide variant.
Coding change: c.829C>G on transcript NM_013254.4 (MANE Select); coding-DNA position 829, C replaced by G.
Protein change: p.Leu277Val; replaces leucine 277 with valine.
Molecular consequence: missense variant.
Genome position (GRCh38, 1-based): chr12:64,481,858, C>G. VCF-style: chr12-64481858-C-G. GRCh37 (hg19) VCF-style: chr12-64875638-C-G.
Other names: c.829C>G, p.Leu277Val (LRG_1306t1); short protein forms L277V.
Identifiers: ClinVar variation 266069 (VCV000266069.8), dbSNP rs905184241, ClinGen allele CA238264724.
Genomic context (GRCh38, chr12:64,481,858, plus strand): 5'-TATGATATATTCACTCTTCAAGTAACTTTTCAATACTATTTTAGGGGTCTTCAGGTTCTA[C>G]TTACCCCTGTTCTTGCAAACATCCTTGAAGCAGATCAGGAAAAGTGTTGGGGTTTTGACC-3'
Protein context (NP_037386.1, residues 267-287): CSLSRGLQVL[Leu277Val]TPVLANILEA

ClinVar aggregate classification (germline): Conflicting classifications of pathogenicity. Review status: criteria provided, conflicting classifications (1 of 4 stars). 4 submissions from 4 submitters: Likely pathogenic (1); Uncertain significance (3). Last evaluated 2025-12-21.

Conditions:
Frontotemporal dementia and/or amyotrophic lateral sclerosis 4. Also called: FTDALS4. Identifiers: Orphanet 275872, MedGen C4225325, MONDO:0014641, OMIM 616439.
Motor neuron disease. Also called: Degenerative motor system disease; Motor neuron disorder. Identifiers: Orphanet 98503, MedGen C0085084, MONDO:0020128.

Allele frequency attached by ClinVar (database versions not stated): gnomAD 0.00001; gnomAD exomes 0.00001 and 0.00002; TOPMed 0.00002.
gnomAD v4.1: 37 of 1,601,920 alleles (0.0023%); highest among the groups gnomAD compares: Non-Finnish European, 0.0029%; no homozygotes.

Submissions (4):

Labcorp Genetics (formerly Invitae), Labcorp
Classification: Uncertain significance for Frontotemporal dementia and/or amyotrophic lateral sclerosis 4. Last evaluated: 2025-12-21. Review status: criteria provided, single submitter. Criteria: Invitae Variant Classification Sherloc (09022015). Collection method: clinical testing. Allele origin: germline.
Comment: This sequence change replaces leucine, which is neutral and non-polar, with valine, which is neutral and non-polar, at codon 277 of the TBK1 protein (p.Leu277Val). This variant is present in population databases (no rsID available, gnomAD 0.003%). This missense change has been observed in individual(s) with amyotrophic lateral sclerosis and/or motor neuron disease (PMID: 25700176, 28089114). ClinVar contains an entry for this variant (Variation ID: 266069). Invitae Evidence Modeling of protein sequence and biophysical properties (such as structural, functional, and spatial information, amino acid conservation, physicochemical variation, residue mobility, and thermodynamic stability) indicates that this missense variant is not expected to disrupt TBK1 protein function with a negative predictive value of 95%. In summary, the available evidence is currently insufficient to determine the role of this variant in disease. Therefore, it has been classified as a Variant of Uncertain Significance.

Women's Health and Genetics/Laboratory Corporation of America, LabCorp
Classification: Uncertain significance. Last evaluated: 2025-09-02. Review status: criteria provided, single submitter. Criteria: LabCorp Variant Classification Summary - May 2015. Collection method: clinical testing. Allele origin: germline.
Comment: Variant summary: TBK1 c.829C>G (p.Leu277Val) results in a conservative amino acid change in the encoded protein sequence. Algorithms developed to predict the effect of missense changes on protein structure and function are either unavailable or do not agree on the potential impact of this missense change. The variant allele was found at a frequency of 1.2e-05 in 242176 control chromosomes. The available data on variant occurrences in the general population are insufficient to allow any conclusion about variant significance. c.829C>G has been observed in individual(s) affected with amyotrophic lateral sclerosis and/or motor neuron disease (examples: Cirulli _2015 and Black_2017). These report(s) do not provide unequivocal conclusions about association of the variant with Frontotemporal dementia and/or amyotrophic lateral sclerosis 4. To our knowledge, no experimental evidence demonstrating an impact on protein function has been reported. The following publications have been ascertained in the context of this evaluation (PMID: 25700176, 28089114). ClinVar contains an entry for this variant (Variation ID: 266069). Based on the evidence outlined above, the variant was classified as uncertain significance.

GeneDx
Classification: Uncertain significance. Last evaluated: 2017-09-25. Review status: criteria provided, single submitter. Criteria: GeneDx Variant Classification (06012015). Collection method: clinical testing. Allele origin: germline. Affected: yes.
Comment: The L277V variant in the TBK1 gene has been reported previously in an individual with motor neuron disease, however, this individual also harbored the pathogenic hexanucleotide repeat expansion in the C9orf72 gene (Black et al., 2017). The L277V variant is not observed in large population cohorts (Lek et al., 2016). The L277V variant is a conservative amino acid substitution, which is not likely to impact secondary protein structure as these residues share similar properties. This substitution occurs at a position that is conserved across species. In silico analysis is inconsistent in its predictions as to whether or not the variant is damaging to the protein structure/function. We interpret L277V as a variant of uncertain significance.

Centre for Genomic and Experimental Medicine, University of Edinburgh
Classification: Likely pathogenic for Motor neuron disease. Last evaluated: 2016-08-31. Review status: criteria provided, single submitter. Criteria: Submitter's publication. Collection method: case-control. Allele origin: unknown. Affected: yes. Observed: 1 heterozygote.

Literature cited by the submitters: PubMed 25700176 (cited by Labcorp Genetics (formerly Invitae), Labcorp and Women's Health and Genetics/Laboratory Corporation of America, LabCorp); PubMed 28089114 (cited by 3 submitters).